The following is an entry in ClinVar:

NM_006004.4(UQCRH):c.256C>A (p.Leu86Ile)

Gene: UQCRH (ubiquinol-cytochrome c reductase hinge protein; plus strand). Cytogenetic location: 1p33.
Variant type: single nucleotide variant.
Coding change: c.256C>A on transcript NM_006004.4 (MANE Select); coding-DNA position 256, C replaced by A.
Protein change: p.Leu86Ile; replaces leucine 86 with isoleucine.
Molecular consequence: missense variant.
Genome position (GRCh38, 1-based): chr1:46,316,564, C>A. VCF-style: chr1-46316564-C-A. GRCh37 (hg19) VCF-style: chr1-46782236-C-A.
Other names: c.238C>A, p.Leu80Ile (NM_001297565.2); c.229C>A, p.Leu77Ile (NM_001297566.2); short protein forms L77I, L80I, L86I.
Identifiers: ClinVar variation 2638798 (VCV002638798.24), dbSNP rs1374295245, ClinGen allele CA340207224.

ClinVar aggregate classification (germline): Uncertain significance (1 of 4 stars; one submission).

Submission:

CeGaT Center for Human Genetics Tuebingen
Classification: Uncertain significance. Last evaluated: 2023-10-01. Review status: criteria provided, single submitter. Criteria: CeGaT Center For Human Genetics Tuebingen Variant Classification Criteria Version 2. Collection method: clinical testing. Allele origin: germline. Affected: yes. Observed: 1 variant allele.
Comment: UQCRH: PM2